The following is an entry in ClinVar:

ClinVar aggregate classification (germline): Uncertain significance (1 of 4 stars; one submission).

gnomAD v4.1: 1 of 1,544,172 alleles (0.000065%); highest among the groups gnomAD compares: Non-Finnish European, 0.000087%; no homozygotes.

Submission:

Labcorp Genetics (formerly Invitae), Labcorp
Classification: Uncertain significance. Last evaluated: 2020-02-18. Review status: criteria provided, single submitter. Criteria: Invitae Variant Classification Sherloc (09022015). Collection method: clinical testing. Allele origin: germline.
Comment: This sequence change replaces arginine with threonine at codon 92 of the POC1B protein (p.Arg92Thr). The arginine residue is moderately conserved and there is a moderate physicochemical difference between arginine and threonine. This variant is not present in population databases (ExAC no frequency). This variant has not been reported in the literature in individuals with POC1B-related conditions. Algorithms developed to predict the effect of missense changes on protein structure and function are either unavailable or do not agree on the potential impact of this missense change (SIFT: "Deleterious"; PolyPhen-2: "Benign"; Align-GVGD: "Class C25"). In summary, the available evidence is currently insufficient to determine the role of this variant in disease. Therefore, it has been classified as a Variant of Uncertain Significance.

NM_172240.3(POC1B):c.275G>C (p.Arg92Thr)

Genes: POC1B (POC1 centriolar protein B; minus strand), POC1B-DUSP6 (POC1B-DUSP6 readthrough; minus strand). Cytogenetic location: 12q21.33.
Variant type: single nucleotide variant.
Coding change: c.275G>C on transcript NM_172240.3 (MANE Select); coding-DNA position 275, G replaced by C.
Protein change: p.Arg92Thr; replaces arginine 92 with threonine.
Molecular consequence: missense variant. On other transcripts: non-coding transcript variant (2).
Genome position (GRCh38, 1-based): chr12:89,492,113, C>G on the plus strand (G>C on the coding strand, the complement: POC1B is on the minus strand). VCF-style: chr12-89492113-C-G. GRCh37 (hg19) VCF-style: chr12-89885890-C-G.
Other names: c.149G>C, p.Arg50Thr (NM_001199777.2); short protein forms R50T, R92T.
Identifiers: ClinVar variation 1019793 (VCV001019793.9), dbSNP rs1869012848, ClinGen allele CA385992085.
Genomic context (GRCh38, chr12:89,492,113, plus strand): 5'-GCTGAAAAGTCTACACTTCGAACTGGAGCTGTATGAGCTTTAAATTCTGAGAATTTTCCT[C>G]TCCTGGAAATAAACAGTTTAATATTTATAACTCATTTGATTTAATTATAGTTAATACTTA-3'
Protein context (NP_758440.1, residues 82-102): RTVRLWIPDK[Arg92Thr]GKFSEFKAHT